The following is an entry in ClinVar:

NM_004380.3(CREBBP):c.6450G>A (p.Pro2150=)

Gene: CREBBP (CREB binding lysine acetyltransferase; minus strand). Cytogenetic location: 16p13.3.
Variant type: single nucleotide variant.
Coding change: c.6450G>A on transcript NM_004380.3 (MANE Select); coding-DNA position 6450, G replaced by A.
Protein change: p.Pro2150=; no amino-acid change (proline 2150 retained).
Molecular consequence: synonymous variant.
Genome position (GRCh38, 1-based): chr16:3,728,597, C>T on the plus strand (G>A on the coding strand, the complement: CREBBP is on the minus strand). VCF-style: chr16-3728597-C-T. GRCh37 (hg19) VCF-style: chr16-3778598-C-T.
Other names: c.6336G>A, p.Pro2112= (NM_001079846.1).
Identifiers: ClinVar variation 589405 (VCV000589405.37), dbSNP rs371497730, ClinGen allele CA7869106.

ClinVar aggregate classification (germline): Likely benign. Review status: criteria provided, multiple submitters, no conflicts (2 of 4 stars). 4 submissions from 4 submitters: Likely benign (4). Last evaluated 2025-02-02.

Conditions:
Rubinstein-Taybi syndrome due to CREBBP mutations (RSTS1). Also called: Rubinstein-Taybi syndrome 1; RUBINSTEIN SYNDROME; BROAD THUMBS AND GREAT TOES, CHARACTERISTIC FACIES, AND IMPAIRED INTELLECTUAL DEVELOPMENT; RUBINSTEIN-TAYBI SYNDROME 1, INCOMPLETE; BROAD THUMB-HALLUX SYNDROME; CREBBP-Related Rubinstein-Taybi Syndrome. Identifiers: Orphanet 353277, Orphanet 783, MedGen C4551859, MONDO:0008393, OMIM 180849.
Menke-Hennekam syndrome 1 (MKHK1). Identifiers: MedGen C5193034, MONDO:0020763, OMIM 618332.
Inborn genetic diseases. Identifiers: MedGen C0950123, MeSH D030342.
Rubinstein-Taybi syndrome (RSTS). Identifiers: Orphanet 783, MedGen C0035934, MONDO:0019188.

Allele frequency attached by ClinVar (database versions not stated): gnomAD 0.00001; gnomAD exomes 0.00003; TOPMed 0.00005; ExAC 0.00006; ESP Exome Variant Server 0.00008.
gnomAD v4.1: 45 of 1,613,642 alleles (0.0028%); highest among the groups gnomAD compares: Admixed American, 0.0067%; no homozygotes.

Submissions (4):

Labcorp Genetics (formerly Invitae), Labcorp
Classification: Likely benign for Rubinstein-Taybi syndrome. Last evaluated: 2025-02-02. Review status: criteria provided, single submitter. Criteria: Invitae Variant Classification Sherloc (09022015). Collection method: clinical testing. Allele origin: germline.

CeGaT Center for Human Genetics Tuebingen
Classification: Likely benign. Last evaluated: 2024-05-01. Review status: criteria provided, single submitter. Criteria: CeGaT Center For Human Genetics Tuebingen Variant Classification Criteria Version 2. Collection method: clinical testing. Allele origin: germline. Affected: yes. Observed: 2 variant alleles.
Comment: CREBBP: BP4, BP7

Fulgent Genetics
Classification: Likely benign for Rubinstein-Taybi syndrome due to CREBBP mutations; Menke-Hennekam syndrome 1. Last evaluated: 2021-09-29. Review status: criteria provided, single submitter. Criteria: ACMG Guidelines, 2015. Collection method: clinical testing. Allele origin: unknown.

Ambry Genetics
Classification: Likely benign for Inborn genetic diseases. Last evaluated: 2016-09-22. Review status: criteria provided, single submitter. Criteria: Ambry Variant Classification Scheme 2023. Collection method: clinical testing. Allele origin: germline.